The following is an entry in ClinVar:

ClinVar aggregate classification (germline): Uncertain significance (1 of 4 stars; one submission).

Submission:

GeneDx
Classification: Uncertain significance. Last evaluated: 2023-11-11. Review status: criteria provided, single submitter. Criteria: GeneDx Variant Classification Process June 2021. Collection method: clinical testing. Allele origin: germline. Affected: yes.
Comment: Not observed in large population cohorts (gnomAD); In silico analysis supports that this missense variant has a deleterious effect on protein structure/function; Has not been previously published as pathogenic or benign to our knowledge

NM_006734.4(HIVEP2):c.2462A>T (p.Glu821Val)

Gene: HIVEP2 (HIVEP zinc finger 2; minus strand). Cytogenetic location: 6q24.2.
Variant type: single nucleotide variant.
Coding change: c.2462A>T on transcript NM_006734.4 (MANE Select); coding-DNA position 2462, A replaced by T.
Protein change: p.Glu821Val; replaces glutamic acid 821 with valine.
Molecular consequence: missense variant.
Genome position (GRCh38, 1-based): chr6:142,772,277, T>A on the plus strand (A>T on the coding strand, the complement: HIVEP2 is on the minus strand). VCF-style: chr6-142772277-T-A. GRCh37 (hg19) VCF-style: chr6-143093414-T-A.
Other names: short protein forms E821V.
Identifiers: ClinVar variation 3340983 (VCV003340983.1).